The following is an entry in ClinVar:

NM_000535.7(PMS2):c.301G>C (p.Val101Leu)

Gene: PMS2 (PMS1 homolog 2, mismatch repair system component; minus strand). Cytogenetic location: 7p22.1.
Variant type: single nucleotide variant.
Coding change: c.301G>C on transcript NM_000535.7 (MANE Select); coding-DNA position 301, G replaced by C.
Protein change: p.Val101Leu; replaces valine 101 with leucine.
Molecular consequence: missense variant. On other transcripts: 5 prime UTR variant (25), non-coding transcript variant (1), intron variant (11), splice donor variant (10).
Genome position (GRCh38, 1-based): chr7:6,003,742, C>G on the plus strand (G>C on the coding strand, the complement: PMS2 is on the minus strand). VCF-style: chr7-6003742-C-G. GRCh37 (hg19) VCF-style: chr7-6043373-C-G.
Other names: c.-105G>C (NM_001018040.1, NM_001322003.2, NM_001322004.2 and 14 more transcripts); c.301G>C, p.Val101Leu (NM_001322006.2, NM_001322014.2, NM_001406869.1 and 8 more transcripts); c.-584G>C (NM_001322011.2, NM_001322012.2); c.-184G>C (NM_001322015.2, NM_001406875.1, NM_001406877.1 and 3 more transcripts); c.487G>C, p.Val163Leu (NM_001406866.1); c.325G>C, p.Val109Leu (NM_001406868.1); c.-95G>C (NM_001406890.1); c.35+230G>C (NM_001322008.2, NM_001406902.1, NM_001406883.1 and 4 more transcripts); and 5 more; short protein forms V163L, V101L, V109L.
Identifiers: ClinVar variation 2848502 (VCV002848502.3), dbSNP rs2128826973, ClinGen allele CA366744626.

ClinVar aggregate classification (germline): Uncertain significance (1 of 4 stars; one submission).

Conditions:
Hereditary nonpolyposis colorectal neoplasms. Identifiers: MedGen C0009405, MeSH D003123.

Submission:

Labcorp Genetics (formerly Invitae), Labcorp
Classification: Uncertain significance for Hereditary nonpolyposis colorectal neoplasms. Last evaluated: 2023-03-22. Review status: criteria provided, single submitter. Criteria: Invitae Variant Classification Sherloc (09022015). Collection method: clinical testing. Allele origin: germline.
Comment: This sequence change replaces valine, which is neutral and non-polar, with leucine, which is neutral and non-polar, at codon 101 of the PMS2 protein (p.Val101Leu). This variant is not present in population databases (gnomAD no frequency). This variant has not been reported in the literature in individuals affected with PMS2-related conditions. Advanced modeling of protein sequence and biophysical properties (such as structural, functional, and spatial information, amino acid conservation, physicochemical variation, residue mobility, and thermodynamic stability) performed at Invitae indicates that this missense variant is not expected to disrupt PMS2 protein function. In summary, the available evidence is currently insufficient to determine the role of this variant in disease. Therefore, it has been classified as a Variant of Uncertain Significance.